The following is an entry in ClinVar:

NM_015338.6(ASXL1):c.2110G>A (p.Gly704Arg)

Gene: ASXL1 (ASXL transcriptional regulator 1; plus strand). Cytogenetic location: 20q11.21.
Variant type: single nucleotide variant.
Coding change: c.2110G>A on transcript NM_015338.6 (MANE Select); coding-DNA position 2110, G replaced by A.
Protein change: p.Gly704Arg; replaces glycine 704 with arginine.
Molecular consequence: missense variant.
Genome position (GRCh38, 1-based): chr20:32,434,822, G>A. VCF-style: chr20-32434822-G-A. GRCh37 (hg19) VCF-style: chr20-31022625-G-A.
Other names: c.1927G>A, p.Gly643Arg (NM_001363734.1); short protein forms G704R, G643R.
Identifiers: ClinVar variation 338092 (VCV000338092.46), dbSNP rs151317625, ClinGen allele CA9808542.

ClinVar aggregate classification (germline): Benign/Likely benign. Review status: criteria provided, multiple submitters, no conflicts (2 of 4 stars). 7 submissions from 7 submitters: Benign (3); Likely benign (3). 1 of the submissions does not count toward it. Last evaluated 2026-09-16.

Conditions:
Bohring-Opitz syndrome. Also called: OPITZ TRIGONOCEPHALY-LIKE SYNDROME; ASXL1-Related Bohring-Opitz Syndrome; BOHRING SYNDROME; C-LIKE SYNDROME. Identifiers: Orphanet 97297, MedGen C0796232, MONDO:0011510, OMIM 605039.
ASXL1-related disorder. Also called: ASXL1-related disorders; ASXL1-related condition.
Myeloproliferative neoplasm. Identifiers: Orphanet 98274, MedGen C1292778, MONDO:0020076.

Allele frequency attached by ClinVar (database versions not stated): ESP Exome Variant Server 0.00023; TOPMed 0.00023; 1000 Genomes Project 30x 0.00031; 1000 Genomes Project 0.00040.
gnomAD v4.1: 729 of 1,614,104 alleles (0.045%); highest among the groups gnomAD compares: Middle Eastern, 0.43%; 3 homozygotes.

Submissions (7):

Dept of Medical Biology, Uskudar University
Classification: Likely benign for Myeloproliferative neoplasm. Last evaluated: 2026-09-16. Review status: criteria provided, single submitter. Criteria: Dept of Medical Biology Variant Classification. Collection method: research. Allele origin: germline. Affected: yes. Observed: 1 variant allele.
Comment: BS1: allele frequency 4.3e-03 in the Middle Eastern population and 4.7e-04 overall in gnomAD v4.1. BP6: classified as benign or likely benign in ClinVar by multiple submitters (VCV000338092). The classification remains likely benign without BP6 under the point-based framework. BS1 was applied at full strength where the gnomAD v4.1 grpmax filtering allele frequency exceeds 2.5e-04 (PMID:28518168) and at supporting strength where only the unfiltered population frequency does. Classified as likely benign under the ACMG/AMP 2015 guidelines (PMID:25741868). Detected in a retrospective series of 256 BCR::ABL1-negative and JAK2 V617F-negative patients referred for molecular investigation of a suspected myeloproliferative neoplasm (May 2007 to January 2015) and re-interpreted under the ACMG/AMP 2015 criteria.

CeGaT Center for Human Genetics Tuebingen
Classification: Benign. Last evaluated: 2026-02-01. Review status: criteria provided, single submitter. Criteria: CeGaT Center For Human Genetics Tuebingen Variant Classification Criteria Version 2. Collection method: clinical testing. Allele origin: germline. Affected: yes. Observed: 13 variant alleles.
Comment: ASXL1: BP4, BS1, BS2

Labcorp Genetics (formerly Invitae), Labcorp
Classification: Likely benign. Last evaluated: 2026-01-28. Review status: criteria provided, single submitter. Criteria: Invitae Variant Classification Sherloc (09022015). Collection method: clinical testing. Allele origin: germline.

Genome-Nilou Lab
Classification: Benign for Bohring-Opitz syndrome. Last evaluated: 2021-12-05. Review status: criteria provided, single submitter. Criteria: ACMG Guidelines, 2015. Collection method: clinical testing. Allele origin: germline. Affected: no.

GeneDx
Classification: Benign. Last evaluated: 2020-05-05. Review status: criteria provided, single submitter. Criteria: GeneDx Variant Classification Process June 2021. Collection method: clinical testing. Allele origin: germline. Affected: yes.

Breakthrough Genomics
Classification: Likely benign. Review status: criteria provided, single submitter. Criteria: ACMG Guidelines, 2015. Collection method: not provided. Allele origin: germline. Inheritance: Autosomal dominant inheritance. Affected: yes.

PreventionGenetics, part of Exact Sciences
Classification: Benign for ASXL1-related condition. Last evaluated: 2019-03-05. Review status: no assertion criteria provided. Collection method: clinical testing. Allele origin: germline. Not counted in ClinVar's aggregate classification.
Comment: This variant is classified as benign based on ACMG/AMP sequence variant interpretation guidelines (Richards et al. 2015 PMID: 25741868, with internal and published modifications).